The following is an entry in ClinVar:

ClinVar aggregate classification (germline): Uncertain significance. Review status: criteria provided, multiple submitters, no conflicts (2 of 4 stars). 2 submissions from 2 submitters: Uncertain significance (2). Last evaluated 2023-11-06.

Submissions (2):

Blueprint Genetics
Classification: Uncertain significance. Last evaluated: 2023-11-06. Review status: criteria provided, single submitter. Criteria: ACMG Guidelines, 2015. Collection method: clinical testing. Allele origin: germline.

Labcorp Genetics (formerly Invitae), Labcorp
Classification: Uncertain significance. Last evaluated: 2022-12-19. Review status: criteria provided, single submitter. Criteria: Invitae Variant Classification Sherloc (09022015). Collection method: clinical testing. Allele origin: germline.
Comment: This variant is present in population databases (no rsID available, gnomAD 0.005%). In summary, the available evidence is currently insufficient to determine the role of this variant in disease. Therefore, it has been classified as a Variant of Uncertain Significance. Algorithms developed to predict the effect of missense changes on protein structure and function are either unavailable or do not agree on the potential impact of this missense change (SIFT: "Deleterious"; PolyPhen-2: "Probably Damaging"; Align-GVGD: "Class C0"). This variant has not been reported in the literature in individuals affected with OBSL1-related conditions. This sequence change replaces proline, which is neutral and non-polar, with arginine, which is basic and polar, at codon 202 of the OBSL1 protein (p.Pro202Arg).

NM_015311.3(OBSL1):c.605C>G (p.Pro202Arg)

Gene: OBSL1 (obscurin like cytoskeletal adaptor 1; minus strand). Cytogenetic location: 2q35.
Variant type: single nucleotide variant.
Coding change: c.605C>G on transcript NM_015311.3 (MANE Select); coding-DNA position 605, C replaced by G.
Protein change: p.Pro202Arg; replaces proline 202 with arginine.
Molecular consequence: missense variant.
Genome position (GRCh38, 1-based): chr2:219,570,628, G>C on the plus strand (C>G on the coding strand, the complement: OBSL1 is on the minus strand). VCF-style: chr2-219570628-G-C. GRCh37 (hg19) VCF-style: chr2-220435350-G-C.
Other names: c.605C>G, p.Pro202Arg (NM_001173408.2, NM_001173431.2); short protein forms P202R.
Identifiers: ClinVar variation 2998830 (VCV002998830.4), dbSNP rs768848439, ClinGen allele CA350764644.